The following is an entry in ClinVar:

ClinVar aggregate classification (germline): Likely pathogenic. Review status: criteria provided, single submitter (1 of 4 stars). 2 submissions from 2 submitters: Likely pathogenic (1). 1 of the submissions does not count toward it. Last evaluated 2021-03-05.

Conditions:
Renal tubular dysgenesis. Also called: Renotubular dysgenesis. Identifiers: Orphanet 3033, MedGen C0266313, MONDO:0017609, HP:0008660.

Allele frequency attached by ClinVar (database versions not stated): TOPMed below 0.00001; gnomAD 0.00001; gnomAD exomes below 0.00001.

Submissions (2):

Laboratory for Molecular Medicine, Mass General Brigham Personalized Medicine
Classification: Likely pathogenic for Renal tubular dysgenesis of genetic origin. Last evaluated: 2021-03-05. Review status: criteria provided, single submitter. Criteria: LMM Criteria. Collection method: clinical testing. Allele origin: germline. Inheritance: Autosomal recessive inheritance. Observed: 1 variant allele.
Comment: The p.Ile73HisfsX37 variant in AGTR1 has been identified in one individual with Renal tubular dysgenesis who has a second AGTR1 variant and in an individual with Brugada syndrome (Gribouval 2005 PMID: 16116425, Resta 2015 PMID: 26220970). This variant has also been identified in 0.001% (1/113662) of European chromosomes by gnomAD. This variant is predicted to cause a frameshift, which alters the protein's amino acid sequence beginning at position 73 and leads to a premature termination codon 37 amino acids downstream. This alteration is then predicted to lead to a truncated or absent protein. In summary, although additional studies are required to fully establish its clinical significance, this variant meets criteria to be classified as likely pathogenic for autosomal recessive renal tubular dysgenesis. ACMG/AMP Criteria applied: PM3; PVS1_M; PM2.

OMIM
Classification: Pathogenic for RENAL TUBULAR DYSGENESIS. Last evaluated: 2005-09-01. Review status: no assertion criteria provided. Collection method: literature only. Allele origin: germline. Not counted in ClinVar's aggregate classification.

Literature cited by the submitters: PubMed 16116425 (cited by Laboratory for Molecular Medicine, Mass General Brigham Personalized Medicine and OMIM); PubMed 26220970 (cited by Laboratory for Molecular Medicine, Mass General Brigham Personalized Medicine).

NM_000685.5(AGTR1):c.110dup (p.Ile38fs)

Gene: AGTR1 (angiotensin II receptor type 1; plus strand). Cytogenetic location: 3q24.
Variant type: Duplication.
Coding change: c.110dup on transcript NM_000685.5 (MANE Select); coding-DNA position 110, one base duplicated (T; older notation c.110dupT).
Protein change: p.Ile38fs; shifts the reading frame from isoleucine 38.
Molecular consequence: frameshift variant.
Genome position (GRCh38, 1-based): chr3:148,741,145, T duplicated. VCF-style (leftmost placement, unchanged base first): chr3-148741144-A-AT. GRCh37 (hg19) VCF-style: chr3-148458931-A-AT.
Other names: c.110dup, p.Ile38fs (NM_001382736.1, NM_001382737.1, NM_004835.5 and 3 more transcripts); short protein forms I38fs, I73fs.
Identifiers: ClinVar variation 18066 (VCV000018066.6), dbSNP rs387906577, ClinGen allele CA127781.